The following is an entry in ClinVar:

NM_018834.6(MATR3):c.*708T>C

Gene: MATR3 (matrin 3; plus strand). Cytogenetic location: 5q31.2.
Variant type: single nucleotide variant.
Coding change: c.*708T>C on transcript NM_018834.6 (MANE Select); 708 bases downstream of the stop codon, T replaced by C.
Molecular consequence: 3 prime UTR variant.
Genome position (GRCh38, 1-based): chr5:139,330,103, T>C. VCF-style: chr5-139330103-T-C. GRCh37 (hg19) VCF-style: chr5-138665792-T-C.
Other names: c.*708T>C (NM_001194954.2, NM_001194955.2, NM_001194956.2 and 2 more transcripts).
Identifiers: ClinVar variation 351159 (VCV000351159.5), dbSNP rs14109, ClinGen allele CA3433568.

ClinVar aggregate classification (germline): Benign (1 of 4 stars; one submission).

Conditions:
Amyotrophic lateral sclerosis type 21. Also called: VOCAL CORD AND PHARYNGEAL DYSFUNCTION WITH DISTAL MYOPATHY; MYOPATHY, DISTAL, 2. Identifiers: Orphanet 600, Orphanet 803, MedGen C3807521, MONDO:0011632, OMIM 606070.

Allele frequency attached by ClinVar (database versions not stated): ExAC 0.01656; 1000 Genomes Project 0.01837; 1000 Genomes Project 30x 0.01889; gnomAD exomes 0.03189 and 0.03419; TOPMed 0.03243; gnomAD 0.03341 and 0.03387.
gnomAD v4.1: 15,455 of 454,522 alleles (3.4%); highest among the groups gnomAD compares: Non-Finnish European, 4.7%; 352 homozygotes.

Submission:

Illumina Laboratory Services, Illumina
Classification: Benign for Amyotrophic lateral sclerosis type 21. Last evaluated: 2018-01-13. Review status: criteria provided, single submitter. Criteria: ICSL Variant Classification Criteria 13 December 2019. Collection method: clinical testing. Allele origin: germline.
Comment: This variant was observed in the ICSL laboratory as part of a predisposition screen in an ostensibly healthy population. It had not been previously curated by ICSL or reported in the Human Gene Mutation Database (HGMD: prior to June 1st, 2018), and was therefore a candidate for classification through an automated scoring system. Utilizing variant allele frequency, disease prevalence and penetrance estimates, and inheritance mode, an automated score was calculated to assess if this variant is too frequent to cause the disease. Based on the score and internal cut-off values, a variant classified as benign is not then subjected to further curation. The score for this variant resulted in a classification of benign for this disease.